The following is an entry in ClinVar:

NM_000069.3(CACNA1S):c.2756A>G (p.Gln919Arg)

Gene: CACNA1S (calcium voltage-gated channel subunit alpha1 S; minus strand). Cytogenetic location: 1q32.1.
Variant type: single nucleotide variant.
Coding change: c.2756A>G on transcript NM_000069.3 (MANE Select); coding-DNA position 2756, A replaced by G.
Protein change: p.Gln919Arg; replaces glutamine 919 with arginine.
Molecular consequence: missense variant.
Genome position (GRCh38, 1-based): chr1:201,065,935, T>C on the plus strand (A>G on the coding strand, the complement: CACNA1S is on the minus strand). VCF-style: chr1-201065935-T-C. GRCh37 (hg19) VCF-style: chr1-201035063-T-C.
Other names: c.2756A>G (NM_000069.2); short protein forms Q919R.
Identifiers: ClinVar variation 3577187 (VCV003577187.2).
Genomic context (GRCh38, chr1:201,065,935, plus strand): 5'-TGTAGGAGGGTAGTGACCAGCACGATGTTCCCGATGGTGCTGATGGCCACGAACATGCAC[T>C]GCACCACGTGCTGGGGACAGAGGGGCCAATGGGGACTGGGGGTGCACCCACAGTAACCCT-3'
Protein context (NP_000060.2, residues 909-929): NRAKGLKHVV[Gln919Arg]CMFVAISTIG

ClinVar aggregate classification (germline): Uncertain significance. Review status: criteria provided, multiple submitters, no conflicts (2 of 4 stars). 2 submissions from 2 submitters: Uncertain significance (2). Last evaluated 2025-02-03.

Conditions:
Malignant hyperthermia, susceptibility to, 5 (MHS5). Also called: CACNA1S-Related Malignant Hyperthermia Susceptibility. Identifiers: Orphanet 423, MedGen C1866077, MONDO:0011163, OMIM 601887.
Hypokalemic periodic paralysis, type 1. Also called: Hypokalemic Periodic Paralysis Type 1 (AD); HypoPP. Identifiers: Orphanet 681, MedGen C3714580, MONDO:0042979, OMIM 170400.
Congenital myopathy 18. Also called: Myopathy, congenital, due to dihydropyridine receptor defect; DIHYDROPYRIDINE RECEPTOR CONGENITAL MYOPATHY; DHPR CONGENITAL MYOPATHY. Identifiers: MedGen C5830283, MONDO:0859514, OMIM 620246.
Thyrotoxic periodic paralysis, susceptibility to, 1 (TTPP1). Identifiers: Orphanet 79102, MedGen C2749982, MONDO:0008570, OMIM 188580.

gnomAD v4.1: 11 of 1,610,094 alleles (0.00068%); highest among the groups gnomAD compares: African/African-American, 0.012%; no homozygotes.

Submissions (2):

GeneDx
Classification: Uncertain significance. Last evaluated: 2025-02-03. Review status: criteria provided, single submitter. Criteria: GeneDx Variant Classification Process June 2021. Collection method: clinical testing. Allele origin: germline. Affected: yes.
Comment: In silico analysis supports that this missense variant has a deleterious effect on protein structure/function; Has not been previously published as pathogenic or benign to our knowledge

Fulgent Genetics
Classification: Uncertain significance for Hypokalemic periodic paralysis, type 1; Thyrotoxic periodic paralysis, susceptibility to, 1; Malignant hyperthermia, susceptibility to, 5; Congenital myopathy 18. Last evaluated: 2024-05-08. Review status: criteria provided, single submitter. Criteria: ACMG Guidelines, 2015. Collection method: clinical testing. Allele origin: germline.